The following is an entry in ClinVar:

ClinVar aggregate classification (germline): Pathogenic (1 of 4 stars; one submission).

Conditions:
Landau-Kleffner syndrome (FESD). Also called: EPILEPSY, FOCAL, WITH SPEECH DISORDER AND WITH OR WITHOUT MENTAL RETARDATION; APHASIA, ACQUIRED, WITH EPILEPSY. Identifiers: Orphanet 1945, Orphanet 725, Orphanet 98818, MedGen C0282512, MONDO:0009509, OMIM 245570.

Submission:

Labcorp Genetics (formerly Invitae), Labcorp
Classification: Pathogenic for Landau-Kleffner syndrome. Last evaluated: 2024-10-15. Review status: criteria provided, single submitter. Criteria: Invitae Variant Classification Sherloc (09022015). Collection method: clinical testing. Allele origin: germline.
Comment: This sequence change creates a premature translational stop signal (p.Trp609*) in the GRIN2A gene. It is expected to result in an absent or disrupted protein product. Loss-of-function variants in GRIN2A are known to be pathogenic (PMID: 23933819, 23933820). This variant is not present in population databases (gnomAD no frequency). This variant has not been reported in the literature in individuals affected with GRIN2A-related conditions. ClinVar contains an entry for this variant (Variation ID: 1069306). For these reasons, this variant has been classified as Pathogenic.

Literature cited by the submitters: PubMed 23933819; PubMed 23933820.

NM_001134407.3(GRIN2A):c.1827G>A (p.Trp609Ter)

Gene: GRIN2A (glutamate ionotropic receptor NMDA type subunit 2A; minus strand). Cytogenetic location: 16p13.2.
Variant type: single nucleotide variant.
Coding change: c.1827G>A on transcript NM_001134407.3 (MANE Select); coding-DNA position 1827, G replaced by A.
Protein change: p.Trp609Ter; replaces tryptophan 609 with a stop codon.
Molecular consequence: nonsense.
Genome position (GRCh38, 1-based): chr16:9,829,603, C>T on the plus strand (G>A on the coding strand, the complement: GRIN2A is on the minus strand). VCF-style: chr16-9829603-C-T. GRCh37 (hg19) VCF-style: chr16-9923460-C-T.
Other names: c.1827G>A, p.Trp609Ter (NM_000833.5, NM_001134408.2); short protein forms W609*.
Identifiers: ClinVar variation 1069306 (VCV001069306.7), dbSNP rs1555492790, ClinGen allele CA394799752.